The following is an entry in ClinVar:

NM_000051.4(ATM):c.9019_9021dup (p.Glu3007_Arg3008insGlu)

Genes: ATM (ATM serine/threonine kinase; plus strand), C11orf65 (chromosome 11 open reading frame 65; minus strand). Cytogenetic location: 11q22.3.
Variant type: Duplication.
Coding change: c.9019_9021dup on transcript NM_000051.4 (MANE Select); coding-DNA positions 9019 to 9021, 3 bases duplicated (GAA; older notation c.9019_9021dupGAA).
Protein change: p.Glu3007_Arg3008insGlu.
Molecular consequence: inframe insertion. On other transcripts: intron variant (2).
Genome position (GRCh38, 1-based): chr11:108,365,356-108,365,358, GAA duplicated. VCF-style (leftmost placement, unchanged base first): chr11-108365355-T-TGAA. GRCh37 (hg19) VCF-style: chr11-108236082-T-TGAA.
Other names: c.9019_9021dup, p.Glu3007_Arg3008insGlu (NM_001351834.2); c.640+20562_640+20564dup (NM_001330368.2); c.694+20562_694+20564dup (NM_001351110.2).
Identifiers: ClinVar variation 2032328 (VCV002032328.4), dbSNP rs2547683069, ClinGen allele CA2580083151.

ClinVar aggregate classification (germline): Uncertain significance (1 of 4 stars; one submission).

Conditions:
Ataxia-telangiectasia syndrome (AT). Also called: Ataxia-telangiectasia, complementation group D; AT, COMPLEMENTATION GROUP C; ATAXIA-TELANGIECTASIA, COMPLEMENTATION GROUP A; ATAXIA-TELANGIECTASIA, FRESNO VARIANT; Ataxia-telangiectasia, complementation group E; LOUIS-BAR SYNDROME. Identifiers: Orphanet 100, MedGen C0004135, MONDO:0008840, OMIM 208900.

Submission:

Labcorp Genetics (formerly Invitae), Labcorp
Classification: Uncertain significance for Ataxia-telangiectasia syndrome. Last evaluated: 2022-09-24. Review status: criteria provided, single submitter. Criteria: Invitae Variant Classification Sherloc (09022015). Collection method: clinical testing. Allele origin: germline.
Comment: Experimental studies and prediction algorithms are not available or were not evaluated, and the functional significance of this variant is currently unknown. This variant has not been reported in the literature in individuals affected with ATM-related conditions. This variant is not present in population databases (gnomAD no frequency). This variant, c.9019_9021dup, results in the insertion of 1 amino acid(s) of the ATM protein (p.Glu3007dup), but otherwise preserves the integrity of the reading frame. In summary, the available evidence is currently insufficient to determine the role of this variant in disease. Therefore, it has been classified as a Variant of Uncertain Significance.